The following is an entry in ClinVar:

ClinVar aggregate classification (germline): Uncertain significance. Review status: criteria provided, multiple submitters, no conflicts (2 of 4 stars). 2 submissions from 2 submitters: Uncertain significance (2). Last evaluated 2025-10-01.

Submissions (2):

CeGaT Center for Human Genetics Tuebingen
Classification: Uncertain significance. Last evaluated: 2025-10-01. Review status: criteria provided, single submitter. Criteria: CeGaT Center For Human Genetics Tuebingen Variant Classification Criteria Version 2. Collection method: clinical testing. Allele origin: germline. Affected: yes. Observed: 1 variant allele.
Comment: CD46: PM2, BP4

Labcorp Genetics (formerly Invitae), Labcorp
Classification: Uncertain significance. Last evaluated: 2022-06-19. Review status: criteria provided, single submitter. Criteria: Invitae Variant Classification Sherloc (09022015). Collection method: clinical testing. Allele origin: germline.
Comment: In summary, the available evidence is currently insufficient to determine the role of this variant in disease. Therefore, it has been classified as a Variant of Uncertain Significance. Algorithms developed to predict the effect of missense changes on protein structure and function are either unavailable or do not agree on the potential impact of this missense change (SIFT: "Tolerated"; PolyPhen-2: "Possibly Damaging"; Align-GVGD: "Class C0"). This variant has not been reported in the literature in individuals affected with CD46-related conditions. This variant is not present in population databases (gnomAD no frequency). This sequence change replaces lysine, which is basic and polar, with asparagine, which is neutral and polar, at codon 227 of the CD46 protein (p.Lys227Asn).

NM_172351.3(CD46):c.681A>T (p.Lys227Asn)

Gene: CD46 (CD46 molecule; plus strand). Cytogenetic location: 1q32.2.
Variant type: single nucleotide variant.
Coding change: c.681A>T on transcript NM_172351.3 (MANE Select); coding-DNA position 681, A replaced by T.
Protein change: p.Lys227Asn; replaces lysine 227 with asparagine.
Molecular consequence: missense variant.
Genome position (GRCh38, 1-based): chr1:207,767,020, A>T. VCF-style: chr1-207767020-A-T. GRCh37 (hg19) VCF-style: chr1-207940365-A-T.
Other names: c.681A>T, p.Lys227Asn (NM_002389.4, NM_153826.4, NM_172350.3 and 8 more transcripts); short protein forms K227N.
Identifiers: ClinVar variation 2008401 (VCV002008401.10), dbSNP rs2526527789, ClinGen allele CA344550662.